The following is an entry in ClinVar:

ClinVar aggregate classification (germline): Uncertain significance (1 of 4 stars; one submission).

Conditions:
Short-rib thoracic dysplasia 11 with or without polydactyly (SRTD11). Also called: SHORT-RIB THORACIC DYSPLASIA 11 WITHOUT POLYDACTYLY. Identifiers: Orphanet 474, Orphanet 93271, MedGen C3810200, MONDO:0014287, OMIM 615633.

Allele frequency attached by ClinVar (database versions not stated): gnomAD exomes below 0.00001; ExAC 0.00001.

Submission:

Labcorp Genetics (formerly Invitae), Labcorp
Classification: Uncertain significance for Short-rib thoracic dysplasia 11 with or without polydactyly. Last evaluated: 2020-10-22. Review status: criteria provided, single submitter. Criteria: Invitae Variant Classification Sherloc (09022015). Collection method: clinical testing. Allele origin: germline.
Comment: This sequence change replaces histidine with tyrosine at codon 130 of the WDR34 protein (p.His130Tyr). The histidine residue is highly conserved and there is a moderate physicochemical difference between histidine and tyrosine. In summary, the available evidence is currently insufficient to determine the role of this variant in disease. Therefore, it has been classified as a Variant of Uncertain Significance. Algorithms developed to predict the effect of missense changes on protein structure and function are either unavailable or do not agree on the potential impact of this missense change (SIFT: "Deleterious"; PolyPhen-2: "Benign"; Align-GVGD: "Class C25"). This variant has not been reported in the literature in individuals with WDR34-related conditions. This variant is present in population databases (rs765530543, ExAC 0.002%).

NM_052844.4(DYNC2I2):c.388C>T (p.His130Tyr)

Gene: DYNC2I2 (dynein 2 intermediate chain 2; minus strand). Cytogenetic location: 9q34.11.
Variant type: single nucleotide variant.
Coding change: c.388C>T on transcript NM_052844.4 (MANE Select); coding-DNA position 388, C replaced by T.
Protein change: p.His130Tyr; replaces histidine 130 with tyrosine.
Molecular consequence: missense variant.
Genome position (GRCh38, 1-based): chr9:128,640,738, G>A on the plus strand (C>T on the coding strand, the complement: DYNC2I2 is on the minus strand). VCF-style: chr9-128640738-G-A. GRCh37 (hg19) VCF-style: chr9-131403017-G-A.
Other names: short protein forms H130Y.
Identifiers: ClinVar variation 1059386 (VCV001059386.9), dbSNP rs765530543, ClinGen allele CA5266644.